The following is an entry in ClinVar:

ClinVar aggregate classification (germline): Benign. Review status: criteria provided, multiple submitters, no conflicts (2 of 4 stars). 9 submissions from 8 submitters: Benign (8). 1 of the submissions does not count toward it. Last evaluated 2026-02-02.

Conditions:
Joubert syndrome 24 (JBTS24). Identifiers: Orphanet 475, MedGen C4084841, MONDO:0014724, OMIM 616654.
Joubert syndrome. Also called: Familial aplasia of the vermis; JOUBERT-BOLTSHAUSER SYNDROME. Identifiers: Orphanet 475, MedGen C5979921, MONDO:0018772.
Meckel-Gruber syndrome. Also called: Dysencephalia splachnocystica; GRUBER SYNDROME; DYSENCEPHALIA SPLANCHNOCYSTICA. Identifiers: Orphanet 564, MedGen C0265215, MONDO:0018921.
Meckel syndrome, type 8. Identifiers: Orphanet 564, MedGen C3836857, MONDO:0013482, OMIM 613885.

Allele frequency attached by ClinVar (database versions not stated): gnomAD exomes 0.03050; ExAC 0.03125; gnomAD 0.05527 and 0.05714; ESP Exome Variant Server 0.05774; 1000 Genomes Project 0.05950; 1000 Genomes Project 30x 0.06043; TOPMed 0.06160.
gnomAD v4.1: 41,908 of 1,613,876 alleles (2.6%); highest among the groups gnomAD compares: African/African-American, 14%; 1,195 homozygotes.

Submissions (9):

Labcorp Genetics (formerly Invitae), Labcorp
Classification: Benign for Joubert syndrome; Meckel-Gruber syndrome. Last evaluated: 2026-02-02. Review status: criteria provided, single submitter. Criteria: Invitae Variant Classification Sherloc (09022015). Collection method: clinical testing. Allele origin: germline.

Blueprint Genetics
Classification: Benign. Last evaluated: 2024-11-27. Review status: criteria provided, single submitter. Criteria: ACMG Guidelines, 2015. Collection method: clinical testing. Allele origin: germline.

Mayo Clinic Laboratories, Mayo Clinic
Classification: Benign. Last evaluated: 2023-04-03. Review status: criteria provided, single submitter. Criteria: ACMG Guidelines, 2015. Collection method: clinical testing. Allele origin: germline. Observed: 5 variant alleles.

Illumina Laboratory Services, Illumina
Classification: Benign for Meckel syndrome, type 8. Last evaluated: 2018-01-12. Review status: criteria provided, single submitter. Criteria: ICSL Variant Classification Criteria 13 December 2019. Collection method: clinical testing. Allele origin: germline.
Comment: This variant was observed in the ICSL laboratory as part of a predisposition screen in an ostensibly healthy population. It had not been previously curated by ICSL or reported in the Human Gene Mutation Database (HGMD: prior to June 1st, 2018), and was therefore a candidate for classification through an automated scoring system. Utilizing variant allele frequency, disease prevalence and penetrance estimates, and inheritance mode, an automated score was calculated to assess if this variant is too frequent to cause the disease. Based on the score and internal cut-off values, a variant classified as benign is not then subjected to further curation. The score for this variant resulted in a classification of benign for this disease.

Illumina Laboratory Services, Illumina
Classification: Benign for Joubert syndrome 24. Last evaluated: 2018-01-12. Review status: criteria provided, single submitter. Criteria: ICSL Variant Classification Criteria 13 December 2019. Collection method: clinical testing. Allele origin: germline.
Comment: the same text as in the submission from Illumina Laboratory Services, Illumina above.

GeneDx
Classification: Benign. Last evaluated: 2016-03-04. Review status: criteria provided, single submitter. Criteria: GeneDx Variant Classification (06012015). Collection method: clinical testing. Allele origin: germline. Affected: yes.
Comment: This variant is considered likely benign or benign based on one or more of the following criteria: it is a conservative change, it occurs at a poorly conserved position in the protein, it is predicted to be benign by multiple in silico algorithms, and/or has population frequency not consistent with disease.

Breakthrough Genomics
Classification: Benign. Review status: criteria provided, single submitter. Criteria: ACMG Guidelines, 2015. Collection method: not provided. Allele origin: germline. Inheritance: Autosomal recessive inheritance. Affected: yes.

PreventionGenetics, part of Exact Sciences
Classification: Benign. Review status: criteria provided, single submitter. Criteria: ACMG Guidelines, 2015. Collection method: clinical testing. Allele origin: germline.

Genetic Services Laboratory, University of Chicago
Classification: Likely benign for AllHighlyPenetrant. Review status: no assertion criteria provided. Collection method: clinical testing. Allele origin: germline. Inheritance: Autosomal recessive inheritance. Observed: 10 variant alleles. Not counted in ClinVar's aggregate classification.
Comment: Likely benign based on allele frequency in 1000 Genomes Project or ESP global frequency and its presence in a patient with a rare or unrelated disease phenotype. NOT Sanger confirmed.

NM_024809.5(TCTN2):c.225C>T (p.Asn75=)

Gene: TCTN2 (tectonic family member 2; plus strand). Cytogenetic location: 12q24.31.
Variant type: single nucleotide variant.
Coding change: c.225C>T on transcript NM_024809.5 (MANE Select); coding-DNA position 225, C replaced by T.
Protein change: p.Asn75=; no amino-acid change (asparagine 75 retained).
Molecular consequence: synonymous variant.
Genome position (GRCh38, 1-based): chr12:123,672,090, C>T. VCF-style: chr12-123672090-C-T. GRCh37 (hg19) VCF-style: chr12-124156637-C-T.
Other names: p.Asn75=; c.225C>T, p.Asn75= (NM_001143850.3).
Identifiers: ClinVar variation 126287 (VCV000126287.24), dbSNP rs73416301, ClinGen allele CA150962.